The following is an entry in ClinVar:

ClinVar aggregate classification (germline): Uncertain significance (1 of 4 stars; one submission).

Submission:

Women's Health and Genetics/Laboratory Corporation of America, LabCorp
Classification: Uncertain significance. Last evaluated: 2025-10-30. Review status: criteria provided, single submitter. Criteria: LabCorp Variant Classification Summary - May 2015. Collection method: clinical testing. Allele origin: germline.
Comment: Variant summary: TIE1 c.483C>A (p.Asn161Lys) results in a non-conservative amino acid change in the encoded protein sequence. Algorithms developed to predict the effect of missense changes on protein structure and function are either unavailable or do not agree on the potential impact of this missense change. Consensus agreement among computation tools predict no significant impact on normal splicing. However, these predictions have yet to be confirmed by functional studies. The variant was absent in 81962 control chromosomes. The available data on variant occurrences in the general population are insufficient to allow any conclusion about variant significance. To our knowledge, no occurrence of c.483C>A in individuals affected with TIE1-related conditions and no experimental evidence demonstrating its impact on protein function have been reported. No submitters have cited clinical-significance assessments for this variant to ClinVar. Based on the evidence outlined above, the variant was classified as uncertain significance.

NM_005424.5(TIE1):c.483C>A (p.Asn161Lys)

Gene: TIE1 (tyrosine kinase with immunoglobulin like and EGF like domains 1; plus strand). Cytogenetic location: 1p34.2.
Variant type: single nucleotide variant.
Coding change: c.483C>A on transcript NM_005424.5 (MANE Select); coding-DNA position 483, C replaced by A.
Protein change: p.Asn161Lys; replaces asparagine 161 with lysine.
Molecular consequence: missense variant.
Genome position (GRCh38, 1-based): chr1:43,305,342, C>A. VCF-style: chr1-43305342-C-A. GRCh37 (hg19) VCF-style: chr1-43771013-C-A.
Other names: c.348C>A, p.Asn116Lys (NM_001253357.2); short protein forms N116K, N161K.
Identifiers: ClinVar variation 4687342 (VCV004687342.1).